The following is an entry in ClinVar:

ClinVar aggregate classification (germline): Uncertain significance (1 of 4 stars; one submission).

gnomAD v4.1: 53 of 1,614,112 alleles (0.0033%); highest among the groups gnomAD compares: Non-Finnish European, 0.0025%; no homozygotes.

Submission:

GeneDx
Classification: Uncertain significance. Last evaluated: 2025-03-07. Review status: criteria provided, single submitter. Criteria: GeneDx Variant Classification Process June 2021. Collection method: clinical testing. Allele origin: germline. Affected: yes.
Comment: In silico analysis indicates that this missense variant does not alter protein structure/function; Has not been previously published as pathogenic or benign to our knowledge

NM_000384.3(APOB):c.4334A>G (p.Asn1445Ser)

Gene: APOB (apolipoprotein B; minus strand). Cytogenetic location: 2p24.1.
Variant type: single nucleotide variant.
Coding change: c.4334A>G on transcript NM_000384.3 (MANE Select); coding-DNA position 4334, A replaced by G.
Protein change: p.Asn1445Ser; replaces asparagine 1445 with serine.
Molecular consequence: missense variant.
Genome position (GRCh38, 1-based): chr2:21,012,534, T>C on the plus strand (A>G on the coding strand, the complement: APOB is on the minus strand). VCF-style: chr2-21012534-T-C. GRCh37 (hg19) VCF-style: chr2-21235406-T-C.
Other names: short protein forms N1445S.
Identifiers: ClinVar variation 4083047 (VCV004083047.1).
Genomic context (GRCh38, chr2:21,012,534, plus strand): 5'-ATCTGTGGTCCCCAGGAACTAGATGCATCGAATATTAGTAAACCTTTTGAGACTGGGTTG[T>C]TTCCAAGTTTTTCTACATGACTGAATTTGATATTCGAATCTAGAAATTTGTGGCGTAGAG-3'
Protein context (NP_000375.3, residues 1435-1455): IKFSHVEKLG[Asn1445Ser]NPVSKGLLIF